The following is an entry in ClinVar:

NM_005918.4(MDH2):c.247C>T (p.Pro83Ser)

Gene: MDH2 (malate dehydrogenase 2; plus strand). Cytogenetic location: 7q11.23.
Variant type: single nucleotide variant.
Coding change: c.247C>T on transcript NM_005918.4 (MANE Select); coding-DNA position 247, C replaced by T.
Protein change: p.Pro83Ser; replaces proline 83 with serine.
Molecular consequence: missense variant. On other transcripts: 5 prime UTR variant (1).
Genome position (GRCh38, 1-based): chr7:76,057,421, C>T. VCF-style: chr7-76057421-C-T. GRCh37 (hg19) VCF-style: chr7-75686739-C-T.
Other names: c.247C>T, p.Pro83Ser (NM_001282403.2); c.-75C>T (NM_001282404.2); short protein forms P83S.
Identifiers: ClinVar variation 1791887 (VCV001791887.2), dbSNP rs782705906, ClinGen allele CA4305472.
Genomic context (GRCh38, chr7:76,057,421, plus strand): 5'-TCTCTGAATCAGAAACGGTGACATTTCTCTTGTGGGGTGTTTGTTCTAGGCTACCTCGGA[C>T]CTGAACAGCTGCCTGACTGCCTGAAAGGTTGTGATGTGGTAGTTATTCCGGCTGGAGTCC-3'
Protein context (NP_005909.2, residues 73-93): TKAAVKGYLG[Pro83Ser]EQLPDCLKGC

ClinVar aggregate classification (germline): Uncertain significance (1 of 4 stars; one submission).

Conditions:
Inborn genetic diseases. Identifiers: MedGen C0950123, MeSH D030342.

Allele frequency attached by ClinVar (database versions not stated): gnomAD exomes below 0.00001; TOPMed below 0.00001; ExAC 0.00001.

Submission:

Ambry Genetics
Classification: Uncertain significance for Inborn genetic diseases. Last evaluated: 2023-12-24. Review status: criteria provided, single submitter. Criteria: Ambry Variant Classification Scheme 2023. Collection method: clinical testing. Allele origin: germline.
Comment: The p.P83S variant (also known as c.247C>T), located in coding exon 3 of the MDH2 gene, results from a C to T substitution at nucleotide position 247. The proline at codon 83 is replaced by serine, an amino acid with similar properties. This amino acid position is conserved. In addition, the in silico prediction for this alteration is inconclusive. Since supporting evidence is limited at this time, the clinical significance of this alteration remains unclear.